The following is an entry in ClinVar:

ClinVar aggregate classification (germline): Pathogenic (1 of 4 stars; one submission).

Submission:

Labcorp Genetics (formerly Invitae), Labcorp
Classification: Pathogenic. Last evaluated: 2025-05-11. Review status: criteria provided, single submitter. Criteria: Invitae Variant Classification Sherloc (09022015). Collection method: clinical testing. Allele origin: germline.
Comment: This sequence change creates a premature translational stop signal (p.Trp636Cysfs*18) in the EPS8L2 gene. It is expected to result in an absent or disrupted protein product. Loss-of-function variants in EPS8L2 are known to be pathogenic (PMID: 26282398, 28281779). This variant is not present in population databases (gnomAD no frequency). This variant has not been reported in the literature in individuals affected with EPS8L2-related conditions. For these reasons, this variant has been classified as Pathogenic.

Literature cited by the submitters: PubMed 26282398; PubMed 28281779.

NM_022772.4(EPS8L2):c.1908del (p.Trp636fs)

Gene: EPS8L2 (EPS8 signaling adaptor L2; plus strand). Cytogenetic location: 11p15.5.
Variant type: Deletion.
Coding change: c.1908del on transcript NM_022772.4 (MANE Select); coding-DNA position 1908, one base deleted (G; older notation c.1908delG).
Protein change: p.Trp636fs; shifts the reading frame from tryptophan 636.
Molecular consequence: frameshift variant.
Genome position (GRCh38, 1-based): chr11:726,458, G deleted; the last of 2 consecutive G bases (chr11:726,457-726,458); deleting either gives the same sequence. VCF-style (leftmost placement, unchanged base first): chr11-726456-TG-T. GRCh37 (hg19) VCF-style: chr11-726456-TG-T.
Other names: c.1908del, p.Trp636fs (NM_001441192.1, NM_001441193.1); c.1371del, p.Trp457fs (NM_001441194.1); short protein forms W457fs, W636fs.
Identifiers: ClinVar variation 4719360 (VCV004719360.1).